The following is an entry in ClinVar:

ClinVar aggregate classification (germline): Benign. Review status: criteria provided, multiple submitters, no conflicts (2 of 4 stars). 2 submissions from 2 submitters: Benign (2). Last evaluated 2018-01-12.

Conditions:
Hypothyroidism, congenital, nongoitrous, 2 (CHNG2). Also called: Hypothyroidism, congenital, due to thyroid dysgenesis or hypoplasia. Identifiers: Orphanet 95712, MedGen C1869118, MONDO:0024264, OMIM 218700.

Allele frequency attached by ClinVar (database versions not stated): TOPMed 0.75137; gnomAD 0.75160 and 0.75533; gnomAD exomes 0.77739; 1000 Genomes Project 0.79433; 1000 Genomes Project 30x 0.79513.
gnomAD v4.1: 175,669 of 230,346 alleles (76%); highest among the groups gnomAD compares: East Asian, 94%; 67,340 homozygotes.

Submissions (2):

Illumina Laboratory Services, Illumina
Classification: Benign for Hypothyroidism, congenital, nongoitrous, 2. Last evaluated: 2018-01-12. Review status: criteria provided, single submitter. Criteria: ICSL Variant Classification Criteria 13 December 2019. Collection method: clinical testing. Allele origin: germline.
Comment: This variant was observed in the ICSL laboratory as part of a predisposition screen in an ostensibly healthy population. It had not been previously curated by ICSL or reported in the Human Gene Mutation Database (HGMD: prior to June 1st, 2018), and was therefore a candidate for classification through an automated scoring system. Utilizing variant allele frequency, disease prevalence and penetrance estimates, and inheritance mode, an automated score was calculated to assess if this variant is too frequent to cause the disease. Based on the score and internal cut-off values, a variant classified as benign is not then subjected to further curation. The score for this variant resulted in a classification of benign for this disease.

Breakthrough Genomics
Classification: Benign. Review status: criteria provided, single submitter. Criteria: ACMG Guidelines, 2015. Collection method: not provided. Allele origin: germline. Inheritance: Autosomal dominant inheritance. Affected: yes.

NM_003466.4(PAX8):c.*2309A>G

Gene: PAX8 (paired box 8; minus strand). Cytogenetic location: 2q14.1.
Variant type: single nucleotide variant.
Coding change: c.*2309A>G on transcript NM_003466.4 (MANE Select); 2309 bases downstream of the stop codon, A replaced by G.
Molecular consequence: 3 prime UTR variant.
Genome position (GRCh38, 1-based): chr2:113,216,224, T>C on the plus strand (A>G on the coding strand, the complement: PAX8 is on the minus strand). VCF-style: chr2-113216224-T-C. GRCh37 (hg19) VCF-style: chr2-113973801-T-C.
Other names: c.*2386A>G (NM_013952.4, NM_013953.4, NM_013992.4).
Identifiers: ClinVar variation 330858 (VCV000330858.6), dbSNP rs1077855, ClinGen allele CA10610641.